The following is an entry in ClinVar:

NM_153026.3(PRICKLE1):c.1807T>C (p.Cys603Arg)

Gene: PRICKLE1 (prickle planar cell polarity protein 1; minus strand). Cytogenetic location: 12q12.
Variant type: single nucleotide variant.
Coding change: c.1807T>C on transcript NM_153026.3 (MANE Select); coding-DNA position 1807, T replaced by C.
Protein change: p.Cys603Arg; replaces cysteine 603 with arginine.
Molecular consequence: missense variant.
Genome position (GRCh38, 1-based): chr12:42,460,498, A>G on the plus strand (T>C on the coding strand, the complement: PRICKLE1 is on the minus strand). VCF-style: chr12-42460498-A-G. GRCh37 (hg19) VCF-style: chr12-42854300-A-G.
Other names: c.1807T>C, p.Cys603Arg (NM_001144881.2, NM_001144882.2, NM_001144883.2); short protein forms C603R.
Identifiers: ClinVar variation 841682 (VCV000841682.9), dbSNP rs1937784313, ClinGen allele CA384440845.

ClinVar aggregate classification (germline): Uncertain significance (1 of 4 stars; one submission).

Conditions:
Epilepsy, progressive myoclonic, 1B. Also called: PME. Identifiers: Orphanet 308, MedGen C2676254, MONDO:0012904, OMIM 612437.

Submission:

Labcorp Genetics (formerly Invitae), Labcorp
Classification: Uncertain significance for Epilepsy, progressive myoclonic, 1B. Last evaluated: 2019-12-19. Review status: criteria provided, single submitter. Criteria: Invitae Variant Classification Sherloc (09022015). Collection method: clinical testing. Allele origin: germline.
Comment: Algorithms developed to predict the effect of missense changes on protein structure and function are either unavailable or do not agree on the potential impact of this missense change (SIFT: "Deleterious"; PolyPhen-2: "Benign"; Align-GVGD: "Class C0"). In summary, the available evidence is currently insufficient to determine the role of this variant in disease. Therefore, it has been classified as a Variant of Uncertain Significance. This variant has not been reported in the literature in individuals with PRICKLE1-related conditions. This variant is not present in population databases (ExAC no frequency). This sequence change replaces cysteine with arginine at codon 603 of the PRICKLE1 protein (p.Cys603Arg). The cysteine residue is highly conserved and there is a large physicochemical difference between cysteine and arginine.